The following is an entry in ClinVar:

NM_000179.3(MSH6):c.28T>G (p.Phe10Val)

Gene: MSH6 (mutS homolog 6; plus strand). Cytogenetic location: 2p16.3.
Variant type: single nucleotide variant.
Coding change: c.28T>G on transcript NM_000179.3 (MANE Select); coding-DNA position 28, T replaced by G.
Protein change: p.Phe10Val; replaces phenylalanine 10 with valine.
Molecular consequence: missense variant. On other transcripts: 5 prime UTR variant (1).
Genome position (GRCh38, 1-based): chr2:47,783,261, T>G. VCF-style: chr2-47783261-T-G. GRCh37 (hg19) VCF-style: chr2-48010400-T-G.
Other names: c.28T>G, p.Phe10Val (NM_001281492.2, NM_001406795.1, NM_001406796.1 and 9 more transcripts); c.-709T>G (NM_001281493.2, NM_001406811.1); c.-301T>G (NM_001406799.1); c.-28T>G (NM_001406804.1); c.-901T>G (NM_001406807.1); c.-556T>G (NM_001406812.1); c.-967T>G (NM_001406814.1); c.-512T>G (NM_001406816.1); short protein forms F10V.
Identifiers: ClinVar variation 1797439 (VCV001797439.3), dbSNP rs773861137, ClinGen allele CA346734511.

ClinVar aggregate classification (germline): Uncertain significance (1 of 4 stars; one submission).

Conditions:
Hereditary cancer-predisposing syndrome. Also called: Neoplastic Syndromes, Hereditary; Tumor predisposition; Hereditary Cancer Syndrome; Hereditary neoplastic syndrome. Identifiers: Orphanet 140162, MedGen C0027672, MeSH D009386, MONDO:0015356.

Submission:

Ambry Genetics
Classification: Uncertain significance for Hereditary cancer-predisposing syndrome. Last evaluated: 2024-11-15. Review status: criteria provided, single submitter. Criteria: Ambry Variant Classification Scheme 2023. Collection method: clinical testing. Allele origin: germline.
Comment: The p.F10V variant (also known as c.28T>G), located in coding exon 1 of the MSH6 gene, results from a T to G substitution at nucleotide position 28. The phenylalanine at codon 10 is replaced by valine, an amino acid with highly similar properties. This amino acid position is well conserved in available vertebrate species. In addition, the in silico prediction for this alteration is inconclusive. Based on the available evidence, the clinical significance of this variant remains unclear.